The following is an entry in ClinVar:

ClinVar aggregate classification (germline): Uncertain significance (1 of 4 stars; one submission).

Submission:

GeneDx
Classification: Uncertain significance. Last evaluated: 2023-01-27. Review status: criteria provided, single submitter. Criteria: GeneDx Variant Classification Process June 2021. Collection method: clinical testing. Allele origin: germline. Affected: yes.
Comment: Has not been previously published as pathogenic or benign to our knowledge; Not observed at significant frequency in large population cohorts (gnomAD); In silico analysis supports that this missense variant does not alter protein structure/function

NM_004006.3(DMD):c.2887T>A (p.Ser963Thr)

Gene: DMD (dystrophin; minus strand). Cytogenetic location: Xp21.1.
Variant type: single nucleotide variant.
Coding change: c.2887T>A on transcript NM_004006.3 (MANE Select); coding-DNA position 2887, T replaced by A.
Protein change: p.Ser963Thr; replaces serine 963 with threonine.
Molecular consequence: missense variant.
Genome position (GRCh38, 1-based): chrX:32,472,226, A>T on the plus strand (T>A on the coding strand, the complement: DMD is on the minus strand). VCF-style: chrX-32472226-A-T. GRCh37 (hg19) VCF-style: chrX-32490343-A-T.
Other names: c.2863T>A, p.Ser955Thr (NM_000109.4); c.2875T>A, p.Ser959Thr (NM_004009.3); c.2518T>A, p.Ser840Thr (NM_004010.3); short protein forms S840T, S955T, S959T, S963T.
Identifiers: ClinVar variation 2574488 (VCV002574488.1), dbSNP rs1487164655, ClinGen allele CA412668034.